The following is an entry in ClinVar:

NM_152732.5(RSPH9):c.25T>C (p.Ser9Pro)

Gene: RSPH9 (radial spoke head component 9; plus strand). Cytogenetic location: 6p21.1.
Variant type: single nucleotide variant.
Coding change: c.25T>C on transcript NM_152732.5 (MANE Select); coding-DNA position 25, T replaced by C.
Protein change: p.Ser9Pro; replaces serine 9 with proline.
Molecular consequence: missense variant.
Genome position (GRCh38, 1-based): chr6:43,645,123, T>C. VCF-style: chr6-43645123-T-C. GRCh37 (hg19) VCF-style: chr6-43612860-T-C.
Other names: c.25T>C, p.Ser9Pro (NM_001193341.2); c.25T>C (NM_152732.4); short protein forms S9P.
Identifiers: ClinVar variation 1023203 (VCV001023203.10), dbSNP rs767450427, ClinGen allele CA3828193.

ClinVar aggregate classification (germline): Uncertain significance. Review status: criteria provided, multiple submitters, no conflicts (2 of 4 stars). 2 submissions from 2 submitters: Uncertain significance (2). Last evaluated 2025-08-21.

Conditions:
Primary ciliary dyskinesia. Also called: Ciliary dyskinesia. Identifiers: Orphanet 244, MedGen C0008780, MONDO:0016575, HP:0012265.

Allele frequency attached by ClinVar (database versions not stated): TOPMed 0.00001.
gnomAD v4.1: 3 of 1,612,696 alleles (0.00019%); highest among the groups gnomAD compares: Admixed American, 0.0033%; no homozygotes.

Submissions (2):

Ambry Genetics
Classification: Uncertain significance for Primary ciliary dyskinesia. Last evaluated: 2025-08-21. Review status: criteria provided, single submitter. Criteria: Ambry Variant Classification Scheme 2023. Collection method: clinical testing. Allele origin: germline.

Labcorp Genetics (formerly Invitae), Labcorp
Classification: Uncertain significance for Primary ciliary dyskinesia. Last evaluated: 2020-03-14. Review status: criteria provided, single submitter. Criteria: Invitae Variant Classification Sherloc (09022015). Collection method: clinical testing. Allele origin: germline.
Comment: This sequence change replaces serine with proline at codon 9 of the RSPH9 protein (p.Ser9Pro). The serine residue is moderately conserved and there is a moderate physicochemical difference between serine and proline. This variant is present in population databases (rs767450427, ExAC 0.002%). This variant has not been reported in the literature in individuals with RSPH9-related conditions. Algorithms developed to predict the effect of missense changes on protein structure and function (SIFT, PolyPhen-2, Align-GVGD) all suggest that this variant is likely to be tolerated, but these predictions have not been confirmed by published functional studies and their clinical significance is uncertain. In summary, the available evidence is currently insufficient to determine the role of this variant in disease. Therefore, it has been classified as a Variant of Uncertain Significance.